The following is an entry in ClinVar:

NM_001042432.2(CLN3):c.111C>G (p.Asn37Lys)

Gene: CLN3 (CLN3 lysosomal/endosomal transmembrane protein, battenin; minus strand). Cytogenetic location: 16p12.1.
Variant type: single nucleotide variant.
Coding change: c.111C>G on transcript NM_001042432.2 (MANE Select); coding-DNA position 111, C replaced by G.
Protein change: p.Asn37Lys; replaces asparagine 37 with lysine.
Molecular consequence: missense variant. On other transcripts: intron variant (3).
Genome position (GRCh38, 1-based): chr16:28,491,496, G>C on the plus strand (C>G on the coding strand, the complement: CLN3 is on the minus strand). VCF-style: chr16-28491496-G-C. GRCh37 (hg19) VCF-style: chr16-28502817-G-C.
Other names: c.111C>G, p.Asn37Lys (NM_000086.2, NM_001286104.2); c.-38+218C>G (NM_001286109.2, NM_001286110.2); c.-96+218C>G (NM_001286105.2); short protein forms N37K.
Identifiers: ClinVar variation 2011165 (VCV002011165.4), dbSNP rs776507846, ClinGen allele CA395346903.

ClinVar aggregate classification (germline): Uncertain significance (1 of 4 stars; one submission).

Conditions:
Neuronal ceroid lipofuscinosis. Also called: Neuronal Ceroid Lipofuscinoses. Identifiers: Orphanet 216, Orphanet 79263, MedGen C0027877, MONDO:0016295. Disease mechanism: loss of function.

Allele frequency attached by ClinVar (database versions not stated): TOPMed below 0.00001.

Submission:

Labcorp Genetics (formerly Invitae), Labcorp
Classification: Uncertain significance for Neuronal ceroid lipofuscinosis. Last evaluated: 2022-06-26. Review status: criteria provided, single submitter. Criteria: Invitae Variant Classification Sherloc (09022015). Collection method: clinical testing. Allele origin: germline.
Comment: In summary, the available evidence is currently insufficient to determine the role of this variant in disease. Therefore, it has been classified as a Variant of Uncertain Significance. Algorithms developed to predict the effect of missense changes on protein structure and function are either unavailable or do not agree on the potential impact of this missense change (SIFT: "Tolerated"; PolyPhen-2: "Probably Damaging"; Align-GVGD: "Class C0"). This variant has not been reported in the literature in individuals affected with CLN3-related conditions. This variant is not present in population databases (gnomAD no frequency). This sequence change replaces asparagine, which is neutral and polar, with lysine, which is basic and polar, at codon 37 of the CLN3 protein (p.Asn37Lys).